The following is an entry in ClinVar:

ClinVar aggregate classification (germline): Likely benign (0 of 4 stars; one submission).

Conditions:
SAGE1-related disorder. Also called: SAGE1-related condition.

Allele frequency attached by ClinVar (database versions not stated): gnomAD exomes 0.00013; gnomAD 0.00024; TOPMed 0.00031; ExAC 0.00051; 1000 Genomes Project 30x 0.00187; 1000 Genomes Project 0.00212.
gnomAD v4.1: 179 of 1,208,493 alleles (0.015%); highest among the groups gnomAD compares: East Asian, 0.38%; 1 homozygote.

Submission:

PreventionGenetics, part of Exact Sciences
Classification: Likely benign for SAGE1-related condition. Last evaluated: 2019-06-17. Review status: no assertion criteria provided. Collection method: clinical testing. Allele origin: germline.
Comment: This variant is classified as likely benign based on ACMG/AMP sequence variant interpretation guidelines (Richards et al. 2015 PMID: 25741868, with internal and published modifications).

NM_001381902.1(SAGE1):c.1105G>A (p.Gly369Arg)

Gene: SAGE1 (sarcoma antigen 1; plus strand). Cytogenetic location: Xq26.3.
Variant type: single nucleotide variant.
Coding change: c.1105G>A on transcript NM_001381902.1 (MANE Select); coding-DNA position 1105, G replaced by A.
Protein change: p.Gly369Arg; replaces glycine 369 with arginine.
Molecular consequence: missense variant.
Genome position (GRCh38, 1-based): chrX:135,907,787, G>A. VCF-style: chrX-135907787-G-A. GRCh37 (hg19) VCF-style: chrX-134989946-G-A.
Other names: c.1105G>A, p.Gly369Arg (NM_018666.3); short protein forms G369R.
Identifiers: ClinVar variation 3033170 (VCV003033170.2), dbSNP rs187385702, ClinGen allele CA10524097.